The following is an entry in ClinVar:

NM_201596.3(CACNB2):c.121-4_121-3insG

Gene: CACNB2 (calcium voltage-gated channel auxiliary subunit beta 2; plus strand). Cytogenetic location: 10p12.33.
Variant type: Insertion.
Coding change: c.121-4_121-3insG on transcript NM_201596.3 (MANE Select); 4 bases into the intron before coding-DNA position 121 through 3 bases into the intron before coding-DNA position 121, G inserted.
Molecular consequence: intron variant.
Genome position: GRCh38 VCF-style: chr10-18150879-T-TG. GRCh37 (hg19) VCF-style: chr10-18439808-T-TG.
Other names: c.37-4_37-3insG (NM_201571.4, NM_001167945.2, NM_201572.4); c.121-4_121-3insG (NM_201593.3, NM_201597.3).
Identifiers: ClinVar variation 190712 (VCV000190712.5), dbSNP rs1554759973, ClinGen allele CA301816.

ClinVar aggregate classification (germline): Benign/Likely benign. Review status: criteria provided, multiple submitters, no conflicts (2 of 4 stars). 2 submissions from 2 submitters: Benign (1); Likely benign (1). Last evaluated 2024-10-23.

Conditions:
Cardiac arrhythmia. Also called: Arrhythmia; Cardiac rhythm disease. Identifiers: MedGen C0003811, MONDO:0007263, HP:0011675.

Allele frequency attached by ClinVar (database versions not stated): gnomAD 0.00002; gnomAD exomes 0.00031.

Submissions (2):

Blueprint Genetics
Classification: Likely benign. Last evaluated: 2024-10-23. Review status: criteria provided, single submitter. Criteria: ACMG Guidelines, 2015. Collection method: clinical testing. Allele origin: germline.

GeneDx
Classification: Benign for Cardiac arrhythmia. Last evaluated: 2012-04-16. Review status: criteria provided, single submitter. Criteria: GeneDx Variant Classification (06012015). Collection method: clinical testing. Allele origin: germline. Affected: yes.
Comment: The variant is found in BRUGADA panel(s).